The following is an entry in ClinVar:

ClinVar aggregate classification (germline): Conflicting classifications of pathogenicity. Review status: criteria provided, conflicting classifications (1 of 4 stars). 2 submissions from 2 submitters: Uncertain significance (1); Likely benign (1). Last evaluated 2023-03-31.

Conditions:
NBEA-related disorder. Also called: NBEA-related condition.
Inborn genetic diseases. Identifiers: MedGen C0950123, MeSH D030342.

Allele frequency attached by ClinVar (database versions not stated): gnomAD exomes 0.00002; ExAC 0.00003; gnomAD 0.00005; TOPMed 0.00006; ESP Exome Variant Server 0.00017.
gnomAD v4.1: 43 of 1,607,068 alleles (0.0027%); highest among the groups gnomAD compares: African/African-American, 0.008%; no homozygotes.

Submissions (2):

Ambry Genetics
Classification: Likely benign for Inborn genetic diseases. Last evaluated: 2023-03-31. Review status: criteria provided, single submitter. Criteria: Ambry Variant Classification Scheme 2023. Collection method: clinical testing. Allele origin: germline.

PreventionGenetics, part of Exact Sciences
Classification: Uncertain significance for NBEA-related condition. Last evaluated: 2023-02-15. Review status: criteria provided, single submitter. Criteria: ACMG Guidelines, 2015. Collection method: clinical testing. Allele origin: germline.
Comment: The NBEA c.742A>G variant is predicted to result in the amino acid substitution p.Ile248Val. To our knowledge, this variant has not been reported in the literature. This variant is reported in 0.020% of alleles in individuals of African descent in gnomAD. At this time, the clinical significance of this variant is uncertain due to the absence of conclusive functional and genetic evidence.

NM_001385012.1(NBEA):c.742A>G (p.Ile248Val)

Gene: NBEA (neurobeachin; plus strand). Cytogenetic location: 13q13.3.
Variant type: single nucleotide variant.
Coding change: c.742A>G on transcript NM_001385012.1 (MANE Select); coding-DNA position 742, A replaced by G.
Protein change: p.Ile248Val; replaces isoleucine 248 with valine.
Molecular consequence: missense variant.
Genome position (GRCh38, 1-based): chr13:35,048,581, A>G. VCF-style: chr13-35048581-A-G. GRCh37 (hg19) VCF-style: chr13-35622718-A-G.
Other names: c.742A>G, p.Ile248Val (NM_001379245.1, NM_015678.5); short protein forms I248V.
Identifiers: ClinVar variation 2518477 (VCV002518477.3), dbSNP rs368676008, ClinGen allele CA6946148.